The following is an entry in ClinVar:

NM_000487.6(ARSA):c.580C>T (p.Pro194Ser)

Gene: ARSA (arylsulfatase A; minus strand). Cytogenetic location: 22q13.33.
Variant type: single nucleotide variant.
Coding change: c.580C>T on transcript NM_000487.6 (MANE Select); coding-DNA position 580, C replaced by T.
Protein change: p.Pro194Ser; replaces proline 194 with serine.
Molecular consequence: missense variant.
Genome position (GRCh38, 1-based): chr22:50,626,938, G>A on the plus strand (C>T on the coding strand, the complement: ARSA is on the minus strand). VCF-style: chr22-50626938-G-A. GRCh37 (hg19) VCF-style: chr22-51065366-G-A.
Other names: c.322C>T, p.Pro108Ser (NM_001362782.2, NM_001085428.3); c.580C>T, p.Pro194Ser (NM_001085425.3, NM_001085426.3, NM_001085427.3); short protein forms P108S, P194S.
Identifiers: ClinVar variation 2793834 (VCV002793834.4), dbSNP rs777554660, ClinGen allele CA412177451.

ClinVar aggregate classification (germline): Conflicting classifications of pathogenicity. Review status: criteria provided, conflicting classifications (1 of 4 stars). 2 submissions from 2 submitters: Likely pathogenic (1); Uncertain significance (1). Last evaluated 2025-07-14.

Conditions:
Metachromatic leukodystrophy (MLD). Also called: Cerebral sclerosis diffuse metachromatic form; ARSA DEFICIENCY; CEREBROSIDE SULFATASE DEFICIENCY; SULFATIDE LIPIDOSIS; METACHROMATIC LEUKOENCEPHALOPATHY; Arylsulfatase A Deficiency. Identifiers: Orphanet 512, MedGen C0023522, MONDO:0018868, OMIM 250100.

Submissions (2):

Women's Health and Genetics/Laboratory Corporation of America, LabCorp
Classification: Uncertain significance. Last evaluated: 2025-07-14. Review status: criteria provided, single submitter. Criteria: LabCorp Variant Classification Summary - May 2015. Collection method: clinical testing. Allele origin: germline.
Comment: Variant summary: ARSA c.580C>T (p.Pro194Ser) results in a non-conservative amino acid change in the encoded protein sequence. Algorithms developed to predict the effect of missense changes on protein structure and function are either unavailable or do not agree on the potential impact of this missense change. The variant was absent in 249220 control chromosomes (gnomAD). To our knowledge, no occurrence of c.580C>T in individuals affected with Metachromatic Leukodystrophy and no experimental evidence demonstrating its impact on protein function have been reported. Different variants affecting the same codon have been classified as likely pathogenic/pathogenic by our lab (e.g., c.581C>G, p.Pro194Arg), supporting the critical relevance of codon 194 to ARSA protein function. ClinVar contains an entry for this variant (Variation ID: 2793834). Based on the evidence outlined above, the variant was classified as VUS-possibly pathogenic.

Labcorp Genetics (formerly Invitae), Labcorp
Classification: Likely pathogenic for Metachromatic leukodystrophy. Last evaluated: 2022-11-29. Review status: criteria provided, single submitter. Criteria: Invitae Variant Classification Sherloc (09022015). Collection method: clinical testing. Allele origin: germline.
Comment: In summary, the currently available evidence indicates that the variant is pathogenic, but additional data are needed to prove that conclusively. Therefore, this variant has been classified as Likely Pathogenic. Advanced modeling of protein sequence and biophysical properties (such as structural, functional, and spatial information, amino acid conservation, physicochemical variation, residue mobility, and thermodynamic stability) performed at Invitae indicates that this missense variant is expected to disrupt ARSA protein function. This variant has not been reported in the literature in individuals affected with ARSA-related conditions. This variant is not present in population databases (gnomAD no frequency). This sequence change replaces proline, which is neutral and non-polar, with serine, which is neutral and polar, at codon 194 of the ARSA protein (p.Pro194Ser). This variant disrupts the p.Pro194 amino acid residue in ARSA. Other variant(s) that disrupt this residue have been determined to be pathogenic (PMID: 31186049, 32617873). This suggests that this residue is clinically significant, and that variants that disrupt this residue are likely to be disease-causing.

Literature cited by the submitters: PubMed 31186049 (cited by Labcorp Genetics (formerly Invitae), Labcorp); PubMed 32617873 (cited by Labcorp Genetics (formerly Invitae), Labcorp).